The following is an entry in ClinVar:

ClinVar aggregate classification (germline): Likely benign (0 of 4 stars; one submission).

Conditions:
BLTP1-related disorder. Also called: BLTP1-related condition.

Allele frequency attached by ClinVar (database versions not stated): gnomAD exomes below 0.00001; TOPMed below 0.00001; gnomAD 0.00001.
gnomAD v4.1: 3 of 1,610,892 alleles (0.00019%); highest among the groups gnomAD compares: African/African-American, 0.0013%; no homozygotes.

Submission:

PreventionGenetics, part of Exact Sciences
Classification: Likely benign for BLTP1-related condition. Last evaluated: 2019-09-06. Review status: no assertion criteria provided. Collection method: clinical testing. Allele origin: germline.
Comment: This variant is classified as likely benign based on ACMG/AMP sequence variant interpretation guidelines (Richards et al. 2015 PMID: 25741868, with internal and published modifications).

NM_001384125.1(BLTP1):c.408T>C (p.Phe136=)

Gene: BLTP1 (bridge-like lipid transfer protein family member 1; plus strand). Cytogenetic location: 4q27.
Variant type: single nucleotide variant.
Coding change: c.408T>C on transcript NM_001384125.1 (MANE Select); coding-DNA position 408, T replaced by C.
Protein change: p.Phe136=; no amino-acid change (phenylalanine 136 retained).
Molecular consequence: synonymous variant.
Genome position (GRCh38, 1-based): chr4:122,186,085, T>C. VCF-style: chr4-122186085-T-C. GRCh37 (hg19) VCF-style: chr4-123107240-T-C.
Other names: c.408T>C, p.Phe136= (NM_015312.4).
Identifiers: ClinVar variation 3040802 (VCV003040802.2), dbSNP rs1202699797, ClinGen allele CA440914635.